The following is an entry in ClinVar:

NM_001873.4(CPE):c.292G>A (p.Gly98Ser)

Gene: CPE (carboxypeptidase E; plus strand). Cytogenetic location: 4q32.3.
Variant type: single nucleotide variant.
Coding change: c.292G>A on transcript NM_001873.4 (MANE Select); coding-DNA position 292, G replaced by A.
Protein change: p.Gly98Ser; replaces glycine 98 with serine.
Molecular consequence: missense variant.
Genome position (GRCh38, 1-based): chr4:165,379,513, G>A. VCF-style: chr4-165379513-G-A. GRCh37 (hg19) VCF-style: chr4-166300665-G-A.
Other names: c.292G>A (NM_001873.2); short protein forms G98S.
Identifiers: ClinVar variation 3353779 (VCV003353779.2).

ClinVar aggregate classification (germline): Uncertain significance. Review status: criteria provided, single submitter (1 of 4 stars). 2 submissions from 2 submitters: Uncertain significance (1). 1 of the submissions does not count toward it. Last evaluated 2025-09-26.

Conditions:
CPE-related disorder. Also called: CPE-related condition.
Inborn genetic diseases. Identifiers: MedGen C0950123, MeSH D030342.

Submissions (2):

Ambry Genetics
Classification: Uncertain significance for Inborn genetic diseases. Last evaluated: 2025-09-26. Review status: criteria provided, single submitter. Criteria: Ambry Variant Classification Scheme 2023. Collection method: clinical testing. Allele origin: germline.

PreventionGenetics, part of Exact Sciences
Classification: Uncertain significance for CPE-related condition. Last evaluated: 2024-06-14. Review status: no assertion criteria provided. Collection method: clinical testing. Allele origin: germline. Not counted in ClinVar's aggregate classification.
Comment: The CPE c.292G>A variant is predicted to result in the amino acid substitution p.Gly98Ser. To our knowledge, this variant has not been reported in the literature or in a large population database, indicating this variant is rare. At this time, the clinical significance of this variant is uncertain due to the absence of conclusive functional and genetic evidence.